The following is an entry in ClinVar:

NM_001130987.2(DYSF):c.441T>C (p.Pro147=)

Gene: DYSF (dysferlin; plus strand). Cytogenetic location: 2p13.2.
Variant type: single nucleotide variant.
Coding change: c.441T>C on transcript NM_001130987.2 (MANE Select); coding-DNA position 441, T replaced by C.
Protein change: p.Pro147=; no amino-acid change (proline 147 retained).
Molecular consequence: synonymous variant.
Genome position (GRCh38, 1-based): chr2:71,511,902, T>C. VCF-style: chr2-71511902-T-C. GRCh37 (hg19) VCF-style: chr2-71739032-T-C.
Other names: NM_001130987.2(DYSF):c.441T>C; p.Pro147=; c.441T>C, p.Pro147= (NM_001130455.2, NM_001130982.2, NM_001130983.2 and 3 more transcripts); c.438T>C, p.Pro146= (NM_001130976.2, NM_001130977.2, NM_001130978.2 and 4 more transcripts).
Identifiers: ClinVar variation 501050 (VCV000501050.6), dbSNP rs1553520415, ClinGen allele CA426697783.
Genomic context (GRCh38, chr2:71,511,902, plus strand): 5'-GCCTGGAGCTGTGCCCCTGTTCCCGCCCCCTACTCCTCTGGAGCCCTCCCCGACTCTGCC[T>C]GACCTGGATGTAGTGGCAGGTGGGTAGCCCACGTTGGCCTGGCTGGGCCCCAGCAAGAAG-3'
Protein context (NP_001124459.1, residues 137-157): PTPLEPSPTL[Pro147=]DLDVVAGGGQ

ClinVar aggregate classification (germline): Likely benign. Review status: reviewed by expert panel (3 of 4 stars). 2 submissions from 2 submitters: Likely benign (1). 1 of the submissions does not count toward it. Last evaluated 2026-04-30.

Conditions:
Autosomal recessive limb-girdle muscular dystrophy. Identifiers: Orphanet 102015, MedGen C2931907, MONDO:0015152.

Submissions (2):

ClinGen Limb Girdle Muscular Dystrophy Variant Curation Expert Panel, ClinGen
Classification: Likely benign for Autosomal recessive limb-girdle muscular dystrophy. Last evaluated: 2026-04-30. Review status: reviewed by expert panel. Criteria: ClinGen LGMD VCEP ACMG Specifications DYSF V2.0.0. Collection method: curation. Allele origin: germline. Inheritance: Autosomal recessive inheritance.
Comment: The NM_003494.4: c.438T>C p.(Pro146=) variant in DYSF, which is also known as NM_001130987.2: c.441T>C p.(Pro147=), is a synonymous variant that does not affect the protein amino acid sequence. It is not located in a splice region and is not predicted to affect splicing (SpliceAI score 0) (BP4, BP7). This variant has been reported in an individual with disease range dysferlin expression in blood monocytes (Jain Foundation Dysferlin Registry internal data communication), but it was identified in a heterozygous state with two other DYSF variants: one classified as pathogenic by the VCEP and the other a splice region variant predicted to ablate a canonical donor site that has been observed in multiple patients. However, phase was not determined (BP2 not met). This variant fails quality filters in gnomAD v4.1.0 exomes but is absent from genomes (PM2_Supporting). In summary, this variant meets criteria to be classified as Likely Benign for autosomal recessive limb girdle muscular dystrophy. Although there are both pathogenic and benign types of evidence for this variant, the population frequency is not considered inconsistent with the final classification. ACMG/AMP criteria applied, as specified by the ClinGen LGMD VCEP (LGMD VCEP specifications version 2.0.0; 04/30/2026): BP4, BP7, PM2_Supporting.

Eurofins Ntd Llc (ga)
Classification: Uncertain significance. Last evaluated: 2017-03-26. Review status: criteria provided, single submitter. Criteria: EGL Classification Definitions 2015. Collection method: clinical testing. Allele origin: germline. Observed: 1 variant allele, 1 heterozygote. Not counted in ClinVar's aggregate classification.